The following is an entry in ClinVar:

NM_007294.4(BRCA1):c.2067T>G (p.Ser689Arg)

Gene: BRCA1 (BRCA1 DNA repair associated; minus strand). Cytogenetic location: 17q21.31.
Variant type: single nucleotide variant.
Coding change: c.2067T>G on transcript NM_007294.4 (MANE Select); coding-DNA position 2067, T replaced by G.
Protein change: p.Ser689Arg; replaces serine 689 with arginine.
Molecular consequence: missense variant. On other transcripts: intron variant (137).
Genome position (GRCh38, 1-based): chr17:43,093,464, A>C on the plus strand (T>G on the coding strand, the complement: BRCA1 is on the minus strand). VCF-style: chr17-43093464-A-C. GRCh37 (hg19) VCF-style: chr17-41245481-A-C.
Other names: c.2064T>G, p.Ser688Arg (NM_001407638.1, NM_001407644.1, NM_001407645.1 and 22 more transcripts); c.2067T>G, p.Ser689Arg (NM_001407639.1, NM_001407640.1, NM_001407641.1 and 30 more transcripts); c.2058T>G, p.Ser686Arg (NM_001407646.1, NM_001407647.1); c.1944T>G, p.Ser648Arg (NM_001407648.1, NM_001407675.1, NM_001407676.1 and 19 more transcripts); c.1941T>G, p.Ser647Arg (NM_001407649.1, NM_001407670.1, NM_001407671.1 and 11 more transcripts); c.1989T>G, p.Ser663Arg (NM_001407653.1, NM_001407654.1, NM_001407655.1 and 4 more transcripts); c.1986T>G, p.Ser662Arg (NM_001407659.1, NM_001407662.1, NM_001407660.1 and 1 more transcripts); c.1854T>G, p.Ser618Arg (NM_001407571.1, NM_001407853.1, NM_001407894.1 and 9 more transcripts); and 40 more; short protein forms S521R, S618R, S689R, S561R, S577R, S601R, S619R, S641R.
Identifiers: ClinVar variation 2733684 (VCV002733684.3), dbSNP rs2154401251, ClinGen allele CA10597868.

ClinVar aggregate classification (germline): Uncertain significance (1 of 4 stars; one submission).

Conditions:
Hereditary breast ovarian cancer syndrome. Also called: BRCA1- and BRCA2-Associated Hereditary Breast and Ovarian Cancer; Hereditary breast and/or ovarian cancer syndrome; Hereditary breast and ovarian cancer; Hereditary breast and ovarian cancer syndrome (HBOC); Breast and ovarian cancer; Hereditary breast and ovarian cancer syndrome. Identifiers: Orphanet 145, MedGen C0677776, MeSH D061325, MONDO:0003582. Disease mechanism: loss of function.

Submission:

Labcorp Genetics (formerly Invitae), Labcorp
Classification: Uncertain significance for Hereditary breast ovarian cancer syndrome. Last evaluated: 2023-06-30. Review status: criteria provided, single submitter. Criteria: Invitae Variant Classification Sherloc (09022015). Collection method: clinical testing. Allele origin: germline.
Comment: This variant has not been reported in the literature in individuals affected with BRCA1-related conditions. In summary, the available evidence is currently insufficient to determine the role of this variant in disease. Therefore, it has been classified as a Variant of Uncertain Significance. Advanced modeling of protein sequence and biophysical properties (such as structural, functional, and spatial information, amino acid conservation, physicochemical variation, residue mobility, and thermodynamic stability) performed at Invitae indicates that this missense variant is not expected to disrupt BRCA1 protein function. This variant is not present in population databases (gnomAD no frequency). This sequence change replaces serine, which is neutral and polar, with arginine, which is basic and polar, at codon 689 of the BRCA1 protein (p.Ser689Arg).